The following is an entry in ClinVar:

ClinVar aggregate classification (germline): Uncertain significance. Review status: criteria provided, multiple submitters, no conflicts (2 of 4 stars). 2 submissions from 2 submitters: Uncertain significance (2). Last evaluated 2025-12-08.

Conditions:
Neuroblastoma, susceptibility to, 3. Also called: ALK-Related Neuroblastic Tumor Susceptibility. Identifiers: Orphanet 635, MedGen C2751681, MONDO:0013083, OMIM 613014.
Hereditary cancer-predisposing syndrome. Also called: Neoplastic Syndromes, Hereditary; Hereditary neoplastic syndrome; Hereditary Cancer Syndrome; Tumor predisposition. Identifiers: Orphanet 140162, MedGen C0027672, MeSH D009386, MONDO:0015356.

Allele frequency attached by ClinVar (database versions not stated): gnomAD exomes below 0.00001; ExAC 0.00001.
gnomAD v4.1: 5 of 1,614,164 alleles (0.00031%); highest among the groups gnomAD compares: African/African-American, 0.0013%; no homozygotes.

Submissions (2):

Labcorp Genetics (formerly Invitae), Labcorp
Classification: Uncertain significance for Neuroblastoma, susceptibility to, 3. Last evaluated: 2025-12-08. Review status: criteria provided, single submitter. Criteria: Invitae Variant Classification Sherloc (09022015). Collection method: clinical testing. Allele origin: germline.
Comment: This sequence change replaces alanine, which is neutral and non-polar, with threonine, which is neutral and polar, at codon 454 of the ALK protein (p.Ala454Thr). This variant is present in population databases (rs755089158, gnomAD 0.0009%). This variant has not been reported in the literature in individuals affected with ALK-related conditions. ClinVar contains an entry for this variant (Variation ID: 1401930). An algorithm developed to predict the effect of missense changes on protein structure and function (PolyPhen-2) suggests that this variant is likely to be tolerated. In summary, the available evidence is currently insufficient to determine the role of this variant in disease. Therefore, it has been classified as a Variant of Uncertain Significance.

Ambry Genetics
Classification: Uncertain significance for Hereditary cancer-predisposing syndrome. Last evaluated: 2024-06-30. Review status: criteria provided, single submitter. Criteria: Ambry Variant Classification Scheme 2023. Collection method: clinical testing. Allele origin: germline.
Comment: The p.A454T variant (also known as c.1360G>A), located in coding exon 6 of the ALK gene, results from a G to A substitution at nucleotide position 1360. The alanine at codon 454 is replaced by threonine, an amino acid with similar properties. This amino acid position is conserved. In addition, the in silico prediction for this alteration is inconclusive. Since supporting evidence is limited at this time, the clinical significance of this alteration remains unclear.

NM_004304.5(ALK):c.1360G>A (p.Ala454Thr)

Gene: ALK (ALK receptor tyrosine kinase; minus strand). Cytogenetic location: 2p23.2.
Variant type: single nucleotide variant.
Coding change: c.1360G>A on transcript NM_004304.5 (MANE Select); coding-DNA position 1360, G replaced by A.
Protein change: p.Ala454Thr; replaces alanine 454 with threonine.
Molecular consequence: missense variant.
Genome position (GRCh38, 1-based): chr2:29,328,404, C>T on the plus strand (G>A on the coding strand, the complement: ALK is on the minus strand). VCF-style: chr2-29328404-C-T. GRCh37 (hg19) VCF-style: chr2-29551270-C-T.
Other names: short protein forms A454T.
Identifiers: ClinVar variation 1401930 (VCV001401930.12), dbSNP rs755089158, ClinGen allele CA1594678.